The following is an entry in ClinVar:

ClinVar aggregate classification (germline): Benign/Likely benign. Review status: criteria provided, multiple submitters, no conflicts (2 of 4 stars). 5 submissions from 5 submitters: Benign (1); Likely benign (3). 1 of the submissions does not count toward it. Last evaluated 2026-02-01.

Conditions:
TCF3-related disorder. Also called: TCF3-related condition.

Allele frequency attached by ClinVar (database versions not stated): 1000 Genomes Project 0.00120; 1000 Genomes Project 30x 0.00141; TOPMed 0.00261; gnomAD 0.00273 and 0.00282; ESP Exome Variant Server 0.00304.
gnomAD v4.1: 6,698 of 1,557,932 alleles (0.43%); highest among the groups gnomAD compares: Non-Finnish European, 0.54%; 27 homozygotes.

Submissions (5):

Labcorp Genetics (formerly Invitae), Labcorp
Classification: Benign. Last evaluated: 2026-02-01. Review status: criteria provided, single submitter. Criteria: Invitae Variant Classification Sherloc (09022015). Collection method: clinical testing. Allele origin: germline.

CeGaT Center for Human Genetics Tuebingen
Classification: Likely benign. Last evaluated: 2025-09-01. Review status: criteria provided, single submitter. Criteria: CeGaT Center For Human Genetics Tuebingen Variant Classification Criteria Version 2. Collection method: clinical testing. Allele origin: germline. Affected: yes. Observed: 4 variant alleles.
Comment: TCF3: BS2

ARUP Laboratories, Molecular Genetics and Genomics, ARUP Laboratories
Classification: Likely benign. Last evaluated: 2025-06-06. Review status: criteria provided, single submitter. Criteria: ARUP Molecular Germline Variant Investigation Process 2024. Collection method: clinical testing. Allele origin: germline.

Blueprint Genetics
Classification: Likely benign. Last evaluated: 2024-11-21. Review status: criteria provided, single submitter. Criteria: ACMG Guidelines, 2015. Collection method: clinical testing. Allele origin: germline.

PreventionGenetics, part of Exact Sciences
Classification: Likely benign for TCF3-related condition. Last evaluated: 2024-03-11. Review status: no assertion criteria provided. Collection method: clinical testing. Allele origin: germline. Not counted in ClinVar's aggregate classification.
Comment: This variant is classified as likely benign based on ACMG/AMP sequence variant interpretation guidelines (Richards et al. 2015 PMID: 25741868, with internal and published modifications).

NM_003200.5(TCF3):c.1154G>A (p.Gly385Asp)

Gene: TCF3 (transcription factor 3; minus strand). Cytogenetic location: 19p13.3.
Variant type: single nucleotide variant.
Coding change: c.1154G>A on transcript NM_003200.5 (MANE Select); coding-DNA position 1154, G replaced by A.
Protein change: p.Gly385Asp; replaces glycine 385 with aspartic acid.
Molecular consequence: missense variant.
Genome position (GRCh38, 1-based): chr19:1,619,793, C>T on the plus strand (G>A on the coding strand, the complement: TCF3 is on the minus strand). VCF-style: chr19-1619793-C-T. GRCh37 (hg19) VCF-style: chr19-1619792-C-T.
Other names: c.1154G>A, p.Gly385Asp (NM_001136139.4, NM_001351778.2, NM_001351779.2); short protein forms G385D.
Identifiers: ClinVar variation 713922 (VCV000713922.49), dbSNP rs117006898, ClinGen allele CA9050031.